The following is an entry in ClinVar:

ClinVar aggregate classification (germline): Uncertain significance (1 of 4 stars; one submission).

Allele frequency attached by ClinVar (database versions not stated): gnomAD 0.00001; gnomAD exomes 0.00002; ExAC 0.00006.
gnomAD v4.1: 24 of 1,614,012 alleles (0.0015%); highest among the groups gnomAD compares: South Asian, 0.025%; 1 homozygote.

Submission:

Labcorp Genetics (formerly Invitae), Labcorp
Classification: Uncertain significance. Last evaluated: 2025-04-21. Review status: criteria provided, single submitter. Criteria: Invitae Variant Classification Sherloc (09022015). Collection method: clinical testing. Allele origin: germline.
Comment: This sequence change replaces asparagine, which is neutral and polar, with serine, which is neutral and polar, at codon 239 of the TANGO2 protein (p.Asn239Ser). This variant is present in population databases (rs769390609, gnomAD 0.03%). This variant has not been reported in the literature in individuals affected with TANGO2-related conditions. ClinVar contains an entry for this variant (Variation ID: 2044020). An algorithm developed to predict the effect of missense changes on protein structure and function (PolyPhen-2) suggests that this variant is likely to be disruptive. In summary, the available evidence is currently insufficient to determine the role of this variant in disease. Therefore, it has been classified as a Variant of Uncertain Significance.

NM_152906.7(TANGO2):c.716A>G (p.Asn239Ser)

Gene: TANGO2 (transport and golgi organization 2 homolog; plus strand). Cytogenetic location: 22q11.21.
Variant type: single nucleotide variant.
Coding change: c.716A>G on transcript NM_152906.7 (MANE Select); coding-DNA position 716, A replaced by G.
Protein change: p.Asn239Ser; replaces asparagine 239 with serine.
Molecular consequence: missense variant. On other transcripts: synonymous variant (5), 3 prime UTR variant (1), non-coding transcript variant (5).
Genome position (GRCh38, 1-based): chr22:20,064,547, A>G. VCF-style: chr22-20064547-A-G. GRCh37 (hg19) VCF-style: chr22-20052070-A-G.
Other names: c.716A>G, p.Asn239Ser (NM_001283106.3, NM_001283116.3); c.839A>G, p.Asn280Ser (NM_001283129.3, NM_001322143.2); c.714A>G, p.Gln238= (NM_001283148.3, NM_001283154.3); c.530A>G, p.Asn177Ser (NM_001283179.3, NM_001283186.3, NM_001322163.2 and 2 more transcripts); c.491A>G, p.Asn164Ser (NM_001283199.3); c.580A>G, p.Thr194Ala (NM_001283215.3); c.422A>G, p.Asn141Ser (NM_001283235.3, NM_001322171.2, NM_001322172.2 and 3 more transcripts); c.*52A>G (NM_001283248.3); and 9 more; short protein forms N218S, T194A, N164S, N177S, N193S, N239S, N141S, N280S.
Identifiers: ClinVar variation 2044020 (VCV002044020.2), dbSNP rs769390609, ClinGen allele CA10106559.
Genomic context (GRCh38, chr22:20,064,547, plus strand): 5'-AGGCAGGGCAGGGCTGAGGGACACCAGGTGAACGAGGGCCCCTGCTCTCTTTCAGAACCA[A>G]CACTATCATCCTGGTAGATGCGGACGGCCACGTGACCTTCACTGAGCGTAGCATGATGGA-3'
Protein context (NP_690870.3, residues 229-249): VRCPGYGTRT[Asn239Ser]TIILVDADGH